The following is an entry in ClinVar:

NC_000007.13:g.(?_128470682)_(128498587_?)del

Gene: FLNC (filamin C; plus strand). Cytogenetic location: 7q32.1.
Variant type: Deletion.
Identifiers: ClinVar variation 1071863 (VCV001071863.1).

ClinVar aggregate classification (germline): Pathogenic (1 of 4 stars; one submission).

Conditions:
Dilated Cardiomyopathy, Dominant.
Myofibrillar myopathy 5. Also called: FILAMINOPATHY, AUTOSOMAL DOMINANT; Filaminopathy (type). Identifiers: Orphanet 171445, MedGen C1836050, MONDO:0012289, OMIM 609524.
Distal myopathy with posterior leg and anterior hand involvement. Also called: WILLIAMS DISTAL MYOPATHY. Identifiers: Orphanet 63273, MedGen C3279722, MONDO:0013550, OMIM 614065.
Hypertrophic cardiomyopathy 26. Also called: Cardiomyopathy, familial hypertrophic, 26. Identifiers: Orphanet 75249, MedGen C4310749, MONDO:0014883, OMIM 617047.

Submission:

Labcorp Genetics (formerly Invitae), Labcorp
Classification: Pathogenic for Distal myopathy with posterior leg and anterior hand involvement; Myofibrillar myopathy 5; Hypertrophic cardiomyopathy 26. Last evaluated: 2020-09-24. Review status: criteria provided, single submitter. Criteria: Invitae Variant Classification Sherloc (09022015). Collection method: clinical testing. Allele origin: germline.
Comment: A gross deletion of the genomic region encompassing the full coding sequence of the FLNC gene has been identified. The boundaries of this event are unknown as the deletion extends beyond the assayed region for this gene and therefore may encompass additional genes. This variant has not been reported in the literature in individuals with FLNC-related conditions. Loss-of-function variants in FLNC are known to be pathogenic (PMID: 27908349). For these reasons, this variant has been classified as Pathogenic.

Literature cited by the submitters: PubMed 27908349.